The following is an entry in ClinVar:

ClinVar aggregate classification (germline): Uncertain significance. Review status: criteria provided, multiple submitters, no conflicts (2 of 4 stars). 2 submissions from 2 submitters: Uncertain significance (2). Last evaluated 2021-08-22.

Conditions:
Cardiovascular phenotype. Identifiers: MedGen CN230736.
Hereditary cancer-predisposing syndrome. Also called: Neoplastic Syndromes, Hereditary; Tumor predisposition; Hereditary neoplastic syndrome; Hereditary Cancer Syndrome. Identifiers: Orphanet 140162, MedGen C0027672, MeSH D009386, MONDO:0015356.
Neurofibromatosis, type 1 (NF1). Also called: NEUROFIBROMATOSIS, TYPE I, SOMATIC; Neurofibromatosis, type I; VON RECKLINGHAUSEN DISEASE; Peripheral type neurofibromatosis. Identifiers: Orphanet 636, MedGen C0027831, MONDO:0018975, OMIM 162200. Disease mechanism: loss of function.

Submissions (2):

Labcorp Genetics (formerly Invitae), Labcorp
Classification: Uncertain significance for Neurofibromatosis, type 1. Last evaluated: 2021-08-22. Review status: criteria provided, single submitter. Criteria: Invitae Variant Classification Sherloc (09022015). Collection method: clinical testing. Allele origin: germline.
Comment: This sequence change replaces leucine with phenylalanine at codon 2178 of the NF1 protein (p.Leu2178Phe). The leucine residue is moderately conserved and there is a small physicochemical difference between leucine and phenylalanine. This variant is not present in population databases (ExAC no frequency). This variant has not been reported in the literature in individuals affected with NF1-related conditions. Advanced modeling of protein sequence and biophysical properties (such as structural, functional, and spatial information, amino acid conservation, physicochemical variation, residue mobility, and thermodynamic stability) performed at Invitae indicates that this missense variant is expected to disrupt NF1 protein function. In summary, the available evidence is currently insufficient to determine the role of this variant in disease. Therefore, it has been classified as a Variant of Uncertain Significance.

Ambry Genetics
Classification: Uncertain significance for Cardiovascular phenotype; Hereditary cancer-predisposing syndrome. Last evaluated: 2021-05-21. Review status: criteria provided, single submitter. Criteria: Ambry Variant Classification Scheme 2023. Collection method: clinical testing. Allele origin: germline.
Comment: The p.L2178F variant (also known as c.6534G>C), located in coding exon 42 of the NF1 gene, results from a G to C substitution at nucleotide position 6534. The leucine at codon 2178 is replaced by phenylalanine, an amino acid with highly similar properties. This amino acid position is highly conserved in available vertebrate species. In addition, the in silico prediction for this alteration is inconclusive. Since supporting evidence is limited at this time, the clinical significance of this alteration remains unclear.

NM_001042492.3(NF1):c.6597G>C (p.Leu2199Phe)

Gene: NF1 (neurofibromin 1; plus strand). Cytogenetic location: 17q11.2.
Variant type: single nucleotide variant.
Coding change: c.6597G>C on transcript NM_001042492.3 (MANE Select); coding-DNA position 6597, G replaced by C.
Protein change: p.Leu2199Phe; replaces leucine 2199 with phenylalanine.
Molecular consequence: missense variant.
Genome position (GRCh38, 1-based): chr17:31,337,537, G>C. VCF-style: chr17-31337537-G-C. GRCh37 (hg19) VCF-style: chr17-29664555-G-C.
Other names: c.6534G>C, p.Leu2178Phe (NM_000267.4); short protein forms L2178F, L2199F.
Identifiers: ClinVar variation 1490433 (VCV001490433.8), dbSNP rs2151556504, ClinGen allele CA399013360.